The following is an entry in ClinVar:

ClinVar aggregate classification (germline): Uncertain significance. Review status: criteria provided, multiple submitters, no conflicts (2 of 4 stars). 2 submissions from 2 submitters: Uncertain significance (2). Last evaluated 2025-03-31.

Submissions (2):

Labcorp Genetics (formerly Invitae), Labcorp
Classification: Uncertain significance. Last evaluated: 2025-03-31. Review status: criteria provided, single submitter. Criteria: Invitae Variant Classification Sherloc (09022015). Collection method: clinical testing. Allele origin: germline.
Comment: This sequence change replaces methionine, which is neutral and non-polar, with isoleucine, which is neutral and non-polar, at codon 527 of the CACNA1E protein (p.Met527Ile). This variant is not present in population databases (gnomAD no frequency). This variant has not been reported in the literature in individuals affected with CACNA1E-related conditions. ClinVar contains an entry for this variant (Variation ID: 2431031). Invitae Evidence Modeling of protein sequence and biophysical properties (such as structural, functional, and spatial information, amino acid conservation, physicochemical variation, residue mobility, and thermodynamic stability) has been performed for this missense variant. However, the output from this modeling did not meet the statistical confidence thresholds required to predict the impact of this variant on CACNA1E protein function. In summary, the available evidence is currently insufficient to determine the role of this variant in disease. Therefore, it has been classified as a Variant of Uncertain Significance.

GeneDx
Classification: Uncertain significance. Last evaluated: 2023-04-20. Review status: criteria provided, single submitter. Criteria: GeneDx Variant Classification Process June 2021. Collection method: clinical testing. Allele origin: germline.
Comment: Not observed at significant frequency in large population cohorts (gnomAD); In silico analysis supports that this missense variant has a deleterious effect on protein structure/function; Has not been previously published as pathogenic or benign to our knowledge

NM_001205293.3(CACNA1E):c.1581G>C (p.Met527Ile)

Gene: CACNA1E (calcium voltage-gated channel subunit alpha1 E; plus strand). Cytogenetic location: 1q25.3.
Variant type: single nucleotide variant.
Coding change: c.1581G>C on transcript NM_001205293.3 (MANE Select); coding-DNA position 1581, G replaced by C.
Protein change: p.Met527Ile; replaces methionine 527 with isoleucine.
Molecular consequence: missense variant.
Genome position (GRCh38, 1-based): chr1:181,718,110, G>C. VCF-style: chr1-181718110-G-C. GRCh37 (hg19) VCF-style: chr1-181687246-G-C.
Other names: c.1581G>C, p.Met527Ile (NM_000721.4, NM_001205294.2); short protein forms M527I.
Identifiers: ClinVar variation 2431031 (VCV002431031.5), dbSNP rs2528521261, ClinGen allele CA343625873.